The following is an entry in ClinVar:

NM_001267550.2(TTN):c.14353G>A (p.Ala4785Thr)

Gene: TTN (titin; minus strand). Cytogenetic location: 2q31.2.
Variant type: single nucleotide variant.
Coding change: c.14353G>A on transcript NM_001267550.2 (MANE Select); coding-DNA position 14353, G replaced by A.
Protein change: p.Ala4785Thr; replaces alanine 4785 with threonine.
Molecular consequence: missense variant.
Genome position (GRCh38, 1-based): chr2:178,738,100, C>T on the plus strand (G>A on the coding strand, the complement: TTN is on the minus strand). VCF-style: chr2-178738100-C-T. GRCh37 (hg19) VCF-style: chr2-179602827-C-T.
Other names: c.13402G>A, p.Ala4468Thr (NM_001256850.1); c.13264G>A, p.Ala4422Thr (NM_003319.4); c.10621G>A, p.Ala3541Thr (NM_133378.4); c.13639G>A, p.Ala4547Thr (NM_133432.3); c.13840G>A, p.Ala4614Thr (NM_133437.4); short protein forms A3541T, A4422T, A4468T, A4547T, A4614T, A4785T.
Identifiers: ClinVar variation 3342448 (VCV003342448.3).

ClinVar aggregate classification (germline): Uncertain significance. Review status: criteria provided, multiple submitters, no conflicts (2 of 4 stars). 2 submissions from 2 submitters: Uncertain significance (2). Last evaluated 2025-01-22.

gnomAD v4.1: 18 of 1,613,434 alleles (0.0011%); highest among the groups gnomAD compares: South Asian, 0.02%; no homozygotes.

Submissions (2):

Women's Health and Genetics/Laboratory Corporation of America, LabCorp
Classification: Uncertain significance. Last evaluated: 2025-01-22. Review status: criteria provided, single submitter. Criteria: LabCorp Variant Classification Summary - May 2015. Collection method: clinical testing. Allele origin: germline.
Comment: Variant summary: TTN c.10621G>A (p.Ala3541Thr) results in a non-conservative amino acid change in the encoded protein sequence. Three of three in-silico tools predict a damaging effect of the variant on protein function. The variant allele was found at a frequency of 2e-05 in 248198 control chromosomes. The available data on variant occurrences in the general population are insufficient to allow any conclusion about variant significance. To our knowledge, no occurrence of c.10621G>A in individuals affected with Autosomal Recessive Titinopathy and no experimental evidence demonstrating its impact on protein function have been reported. ClinVar contains an entry for this variant (Variation ID: 3342448). Based on the evidence outlined above, the variant was classified as uncertain significance.

GeneDx
Classification: Uncertain significance. Last evaluated: 2024-01-19. Review status: criteria provided, single submitter. Criteria: GeneDx Variant Classification Process June 2021. Collection method: clinical testing. Allele origin: germline. Affected: yes.
Comment: Not observed at significant frequency in large population cohorts (gnomAD); Missense variant in a gene in which most reported pathogenic variants are truncating/loss of function; Has not been previously published as pathogenic or benign to our knowledge